The following is an entry in ClinVar:

NM_022114.4(PRDM16):c.1475G>A (p.Arg492Lys)

Gene: PRDM16 (PR/SET domain 16; plus strand). Cytogenetic location: 1p36.32.
Variant type: single nucleotide variant.
Coding change: c.1475G>A on transcript NM_022114.4 (MANE Select); coding-DNA position 1475, G replaced by A.
Protein change: p.Arg492Lys; replaces arginine 492 with lysine.
Molecular consequence: missense variant.
Genome position (GRCh38, 1-based): chr1:3,411,672, G>A. VCF-style: chr1-3411672-G-A. GRCh37 (hg19) VCF-style: chr1-3328236-G-A.
Other names: c.1475G>A, p.Arg492Lys (NM_199454.3); short protein forms R492K.
Identifiers: ClinVar variation 1394294 (VCV001394294.7), dbSNP rs12061858, ClinGen allele CA16966291.

ClinVar aggregate classification (germline): Uncertain significance. Review status: criteria provided, multiple submitters, no conflicts (2 of 4 stars). 2 submissions from 2 submitters: Uncertain significance (2). Last evaluated 2025-11-04.

Conditions:
Left ventricular noncompaction 8 (LVNC8). Identifiers: Orphanet 154, Orphanet 54260, MedGen C3809288, MONDO:0014152, OMIM 615373.

Allele frequency attached by ClinVar (database versions not stated): gnomAD exomes below 0.00001; gnomAD 0.00003 and 0.00004; TOPMed 0.00003.
gnomAD v4.1: 6 of 1,611,988 alleles (0.00037%); highest among the groups gnomAD compares: African/African-American, 0.008%; no homozygotes.

Submissions (2):

Women's Health and Genetics/Laboratory Corporation of America, LabCorp
Classification: Uncertain significance. Last evaluated: 2025-11-04. Review status: criteria provided, single submitter. Criteria: LabCorp Variant Classification Summary - May 2015. Collection method: clinical testing. Allele origin: germline.

Labcorp Genetics (formerly Invitae), Labcorp
Classification: Uncertain significance for Left ventricular noncompaction 8. Last evaluated: 2025-04-30. Review status: criteria provided, single submitter. Criteria: Invitae Variant Classification Sherloc (09022015). Collection method: clinical testing. Allele origin: germline.
Comment: This sequence change replaces arginine, which is basic and polar, with lysine, which is basic and polar, at codon 492 of the PRDM16 protein (p.Arg492Lys). This variant is present in population databases (rs12061858, gnomAD 0.01%). This variant has not been reported in the literature in individuals affected with PRDM16-related conditions. ClinVar contains an entry for this variant (Variation ID: 1394294). An algorithm developed to predict the effect of missense changes on protein structure and function (PolyPhen-2) suggests that this variant is likely to be disruptive. In summary, the available evidence is currently insufficient to determine the role of this variant in disease. Therefore, it has been classified as a Variant of Uncertain Significance.